The following is an entry in ClinVar:

NM_007347.5(AP4E1):c.3365T>C (p.Leu1122Pro)

Gene: AP4E1 (adaptor related protein complex 4 subunit epsilon 1; plus strand). Cytogenetic location: 15q21.2.
Variant type: single nucleotide variant.
Coding change: c.3365T>C on transcript NM_007347.5 (MANE Select); coding-DNA position 3365, T replaced by C.
Protein change: p.Leu1122Pro; replaces leucine 1122 with proline.
Molecular consequence: missense variant.
Genome position (GRCh38, 1-based): chr15:51,002,613, T>C. VCF-style: chr15-51002613-T-C. GRCh37 (hg19) VCF-style: chr15-51294810-T-C.
Other names: c.3140T>C, p.Leu1047Pro (NM_001252127.2); short protein forms L1047P, L1122P.
Identifiers: ClinVar variation 1408088 (VCV001408088.6), dbSNP rs2140941227, ClinGen allele CA392422781.

ClinVar aggregate classification (germline): Uncertain significance (1 of 4 stars; one submission).

Conditions:
Spastic paraplegia. Identifiers: MedGen C0037772, HP:0001258.

Allele frequency attached by ClinVar (database versions not stated): gnomAD exomes below 0.00001.
gnomAD v4.1: 2 of 1,614,214 alleles (0.00012%); highest among the groups gnomAD compares: Non-Finnish European, 0.00017%; no homozygotes.

Submission:

Labcorp Genetics (formerly Invitae), Labcorp
Classification: Uncertain significance for Spastic paraplegia. Last evaluated: 2023-10-03. Review status: criteria provided, single submitter. Criteria: Invitae Variant Classification Sherloc (09022015). Collection method: clinical testing. Allele origin: germline.
Comment: This sequence change replaces leucine, which is neutral and non-polar, with proline, which is neutral and non-polar, at codon 1122 of the AP4E1 protein (p.Leu1122Pro). This variant is not present in population databases (gnomAD no frequency). This variant has not been reported in the literature in individuals affected with AP4E1-related conditions. ClinVar contains an entry for this variant (Variation ID: 1408088). An algorithm developed to predict the effect of missense changes on protein structure and function (PolyPhen-2) suggests that this variant is likely to be disruptive. In summary, the available evidence is currently insufficient to determine the role of this variant in disease. Therefore, it has been classified as a Variant of Uncertain Significance.